The following is an entry in ClinVar:

NM_004369.4(COL6A3):c.8235C>A (p.Gly2745=)

Gene: COL6A3 (collagen type VI alpha 3 chain; minus strand). Cytogenetic location: 2q37.3.
Variant type: single nucleotide variant.
Coding change: c.8235C>A on transcript NM_004369.4 (MANE Select); coding-DNA position 8235, C replaced by A.
Protein change: p.Gly2745=; no amino-acid change (glycine 2745 retained).
Molecular consequence: synonymous variant.
Genome position (GRCh38, 1-based): chr2:237,340,681, G>T on the plus strand (C>A on the coding strand, the complement: COL6A3 is on the minus strand). VCF-style: chr2-237340681-G-T. GRCh37 (hg19) VCF-style: chr2-238249324-G-T.
Other names: p.Gly2745=; c.6414C>A, p.Gly2138= (NM_057166.5); c.7617C>A, p.Gly2539= (NM_057167.4).
Identifiers: ClinVar variation 1985068 (VCV001985068.5), dbSNP rs534728020, ClinGen allele CA2187594.

ClinVar aggregate classification (germline): Likely benign. Review status: criteria provided, multiple submitters, no conflicts (2 of 4 stars). 2 submissions from 2 submitters: Likely benign (2). Last evaluated 2025-07-30.

Conditions:
Bethlem myopathy 1A. Also called: MYOPATHY, BENIGN CONGENITAL, WITH CONTRACTURES; Bethlem myopathy 1; Bethlem Muscular Dystrophy. Identifiers: Orphanet 610, MedGen CN029274, MONDO:0024530, OMIM 158810.

gnomAD v4.1: 29 of 1,614,052 alleles (0.0018%); highest among the groups gnomAD compares: Middle Eastern, 0.016%; no homozygotes.

Submissions (2):

Mayo Clinic Laboratories, Mayo Clinic
Classification: Likely benign. Last evaluated: 2025-07-30. Review status: criteria provided, single submitter. Criteria: ACMG Guidelines, 2015. Collection method: clinical testing. Allele origin: germline. Observed: 2 variant alleles.
Comment: BP4, BP7

Labcorp Genetics (formerly Invitae), Labcorp
Classification: Likely benign for Bethlem myopathy 1A. Last evaluated: 2022-08-28. Review status: criteria provided, single submitter. Criteria: Invitae Variant Classification Sherloc (09022015). Collection method: clinical testing. Allele origin: germline.